The following is an entry in ClinVar:

ClinVar aggregate classification (germline): Uncertain significance (1 of 4 stars; one submission).

Allele frequency attached by ClinVar (database versions not stated): gnomAD exomes 0.00001.
gnomAD v4.1: 12 of 1,614,006 alleles (0.00074%); highest among the groups gnomAD compares: South Asian, 0.0033%; no homozygotes.

Submission:

Labcorp Genetics (formerly Invitae), Labcorp
Classification: Uncertain significance. Last evaluated: 2023-11-27. Review status: criteria provided, single submitter. Criteria: Invitae Variant Classification Sherloc (09022015). Collection method: clinical testing. Allele origin: germline.
Comment: This sequence change replaces glutamic acid, which is acidic and polar, with lysine, which is basic and polar, at codon 1616 of the RP1 protein (p.Glu1616Lys). This variant is not present in population databases (gnomAD no frequency). This variant has not been reported in the literature in individuals affected with RP1-related conditions. ClinVar contains an entry for this variant (Variation ID: 1368208). An algorithm developed to predict the effect of missense changes on protein structure and function (PolyPhen-2) suggests that this variant is likely to be disruptive. In summary, the available evidence is currently insufficient to determine the role of this variant in disease. Therefore, it has been classified as a Variant of Uncertain Significance.

NM_006269.2(RP1):c.4846G>A (p.Glu1616Lys)

Gene: RP1 (RP1 axonemal microtubule associated; plus strand). Cytogenetic location: 8q12.1.
Variant type: single nucleotide variant.
Coding change: c.4846G>A on transcript NM_006269.2 (MANE Select); coding-DNA position 4846, G replaced by A.
Protein change: p.Glu1616Lys; replaces glutamic acid 1616 with lysine.
Molecular consequence: missense variant. On other transcripts: intron variant (1).
Genome position (GRCh38, 1-based): chr8:54,628,728, G>A. VCF-style: chr8-54628728-G-A. GRCh37 (hg19) VCF-style: chr8-55541288-G-A.
Other names: c.787+6440G>A (NM_001375654.1); short protein forms E1616K.
Identifiers: ClinVar variation 1368208 (VCV001368208.6), dbSNP rs868089931, ClinGen allele CA177182553.